The following is an entry in ClinVar:

NM_012268.4(PLD3):c.694G>A (p.Val232Met)

Gene: PLD3 (phospholipase D family member 3; plus strand). Cytogenetic location: 19q13.2.
Variant type: single nucleotide variant.
Coding change: c.694G>A on transcript NM_012268.4 (MANE Select); coding-DNA position 694, G replaced by A.
Protein change: p.Val232Met; replaces valine 232 with methionine.
Molecular consequence: missense variant.
Genome position (GRCh38, 1-based): chr19:40,371,688, G>A. VCF-style: chr19-40371688-G-A. GRCh37 (hg19) VCF-style: chr19-40877595-G-A.
Other names: PLD3, VAL232MET (rs145999145); c.694G>A, p.Val232Met (NM_001031696.4, NM_001291311.2); short protein forms V232M.
Identifiers: ClinVar variation 120224 (VCV000120224.36), dbSNP rs145999145, ClinGen allele CA150790.

ClinVar aggregate classification (germline): Benign/Likely benign. Review status: criteria provided, multiple submitters, no conflicts (2 of 4 stars). 4 submissions from 4 submitters: Benign (2); Likely benign (1). 1 of the submissions does not count toward it. Last evaluated 2026-01-26.

Conditions:
Alzheimer disease 19 (AD19). Also called: ALZHEIMER DISEASE 19, LATE-ONSET. Identifiers: MedGen C3810349, MONDO:0014316, OMIM 615711.

Allele frequency attached by ClinVar (database versions not stated): 1000 Genomes Project 30x 0.00047; gnomAD 0.00361 and 0.00365; ESP Exome Variant Server 0.00408; gnomAD exomes 0.00315; 1000 Genomes Project 0.00060; ExAC 0.00308; TOPMed 0.00313.
gnomAD v4.1: 8,078 of 1,613,184 alleles (0.5%); highest among the groups gnomAD compares: Non-Finnish European, 0.62%; 25 homozygotes.

Submissions (4):

Labcorp Genetics (formerly Invitae), Labcorp
Classification: Likely benign. Last evaluated: 2026-01-26. Review status: criteria provided, single submitter. Criteria: Invitae Variant Classification Sherloc (09022015). Collection method: clinical testing. Allele origin: germline.

Mayo Clinic Laboratories, Mayo Clinic
Classification: Benign. Last evaluated: 2023-08-02. Review status: criteria provided, single submitter. Criteria: ACMG Guidelines, 2015. Collection method: clinical testing. Allele origin: germline. Observed: 11 variant alleles.
Comment: BS1, BS2

CeGaT Center for Human Genetics Tuebingen
Classification: Benign. Last evaluated: 2022-08-01. Review status: criteria provided, single submitter. Criteria: CeGaT Center For Human Genetics Tuebingen Variant Classification Criteria Version 2. Collection method: clinical testing. Allele origin: germline. Affected: yes. Observed: 1 variant allele.
Comment: PLD3: BS1, BS2

OMIM
Classification: Uncertain significance for RECLASSIFIED - VARIANT OF UNKNOWN SIGNIFICANCE. Last evaluated: 2014-01-23. Review status: no assertion criteria provided. Collection method: literature only. Allele origin: germline. Not counted in ClinVar's aggregate classification.

Literature cited by the submitters: PubMed 24336208 (cited by OMIM); PubMed 25832408 (cited by OMIM); PubMed 25832411 (cited by OMIM); PubMed 25832410 (cited by OMIM); PubMed 25832412 (cited by OMIM).